The following is an entry in ClinVar:

ClinVar aggregate classification (germline): Uncertain significance (1 of 4 stars; one submission).

Conditions:
Hereditary cancer-predisposing syndrome. Also called: Neoplastic Syndromes, Hereditary; Tumor predisposition; Hereditary Cancer Syndrome; Hereditary neoplastic syndrome. Identifiers: Orphanet 140162, MedGen C0027672, MeSH D009386, MONDO:0015356.

Allele frequency attached by ClinVar (database versions not stated): gnomAD exomes below 0.00001.

Submission:

Ambry Genetics
Classification: Uncertain significance for Hereditary cancer-predisposing syndrome. Last evaluated: 2024-08-30. Review status: criteria provided, single submitter. Criteria: Ambry Variant Classification Scheme 2023. Collection method: clinical testing. Allele origin: germline.
Comment: The p.S12P variant (also known as c.34T>C), located in coding exon 1 of the PHOX2B gene, results from a T to C substitution at nucleotide position 34. The serine at codon 12 is replaced by proline, an amino acid with similar properties. This amino acid position is conserved. In addition, this alteration is predicted to be deleterious by in silico analysis. Since supporting evidence is limited at this time, the clinical significance of this alteration remains unclear.

NM_003924.4(PHOX2B):c.34T>C (p.Ser12Pro)

Genes: PHOX2B (paired like homeobox 2B; minus strand), PHOX2B-AS1 (PHOX2B antisense RNA 1; plus strand). Cytogenetic location: 4p13.
Variant type: single nucleotide variant.
Coding change: c.34T>C on transcript NM_003924.4 (MANE Select); coding-DNA position 34, T replaced by C.
Protein change: p.Ser12Pro; replaces serine 12 with proline.
Molecular consequence: missense variant.
Genome position (GRCh38, 1-based): chr4:41,748,577, A>G on the plus strand (T>C on the coding strand, the complement: PHOX2B is on the minus strand). VCF-style: chr4-41748577-A-G. GRCh37 (hg19) VCF-style: chr4-41750594-A-G.
Other names: short protein forms S12P.
Identifiers: ClinVar variation 1732059 (VCV001732059.4), dbSNP rs577333579, ClinGen allele CA95829724.
Genomic context (GRCh38, chr4:41,748,577, plus strand): 5'-CAGCATAGGCTGAAGCCAGGCTCGAGGTGTCCATCCCAGCCATACAGGACTCGTAGGCAG[A>G]GGAATTGAGGTAAGAATATTCCATTTTATACATTGAAAAGGTTCTGGATGGCTCAGCCAA-3'
Protein context (NP_003915.2, residues 2-22): YKMEYSYLNS[Ser12Pro]AYESCMAGMD